The following is an entry in ClinVar:

NM_172240.3(POC1B):c.1274C>G (p.Pro425Arg)

Genes: POC1B (POC1 centriolar protein B; minus strand), POC1B-DUSP6 (POC1B-DUSP6 readthrough; minus strand). Cytogenetic location: 12q21.33.
Variant type: single nucleotide variant.
Coding change: c.1274C>G on transcript NM_172240.3 (MANE Select); coding-DNA position 1274, C replaced by G.
Protein change: p.Pro425Arg; replaces proline 425 with arginine.
Molecular consequence: missense variant. On other transcripts: non-coding transcript variant (2).
Genome position (GRCh38, 1-based): chr12:89,425,219, G>C on the plus strand (C>G on the coding strand, the complement: POC1B is on the minus strand). VCF-style: chr12-89425219-G-C. GRCh37 (hg19) VCF-style: chr12-89818996-G-C.
Other names: c.1148C>G, p.Pro383Arg (NM_001199777.2); short protein forms P383R, P425R.
Identifiers: ClinVar variation 1902938 (VCV001902938.5), dbSNP rs2540364528, ClinGen allele CA385985267.
Genomic context (GRCh38, chr12:89,425,219, plus strand): 5'-ACCTGTGTCAAAACATTGAGTTGTTCCATAATATGCTCTAAAGCATCAGTCACAGCGAGA[G>C]GTATGCTCCTTTGACTTTCACAGGGGAGGTCACTCATGTCTTCTGTTTTCTTTTTCGTGG-3'
Protein context (NP_758440.1, residues 415-435): DLPCESQRSI[Pro425Arg]LAVTDALEHI

ClinVar aggregate classification (germline): Uncertain significance (1 of 4 stars; one submission).

Submission:

Labcorp Genetics (formerly Invitae), Labcorp
Classification: Uncertain significance. Last evaluated: 2022-06-14. Review status: criteria provided, single submitter. Criteria: Invitae Variant Classification Sherloc (09022015). Collection method: clinical testing. Allele origin: germline.
Comment: This sequence change replaces proline, which is neutral and non-polar, with arginine, which is basic and polar, at codon 425 of the POC1B protein (p.Pro425Arg). This variant is not present in population databases (gnomAD no frequency). This variant has not been reported in the literature in individuals affected with POC1B-related conditions. Advanced modeling of protein sequence and biophysical properties (such as structural, functional, and spatial information, amino acid conservation, physicochemical variation, residue mobility, and thermodynamic stability) performed at Invitae indicates that this missense variant is expected to disrupt POC1B protein function. In summary, the available evidence is currently insufficient to determine the role of this variant in disease. Therefore, it has been classified as a Variant of Uncertain Significance.